The following is an entry in ClinVar:

ClinVar aggregate classification (germline): Benign/Likely benign. Review status: criteria provided, multiple submitters, no conflicts (2 of 4 stars). 4 submissions from 4 submitters: Benign (2); Likely benign (2). Last evaluated 2025-05-02.

Conditions:
Hereditary cancer-predisposing syndrome. Also called: Neoplastic Syndromes, Hereditary; Tumor predisposition; Hereditary neoplastic syndrome; Hereditary Cancer Syndrome. Identifiers: Orphanet 140162, MedGen C0027672, MeSH D009386, MONDO:0015356.
Tuberous sclerosis syndrome (TSC). Also called: Tuberous sclerosis; Tuberous Sclerosis Complex. Identifiers: Orphanet 805, MedGen C0041341, MONDO:0001734.
Tuberous sclerosis 2 (TSC2). Identifiers: Orphanet 805, MedGen C1860707, MONDO:0013199, OMIM 613254.

Allele frequency attached by ClinVar (database versions not stated): gnomAD exomes below 0.00001.
gnomAD v4.1: 1 of 1,592,700 alleles (0.000063%); highest among the groups gnomAD compares: Admixed American, 0.0017%; no homozygotes.

Submissions (4):

Myriad Genetics, Inc.
Classification: Benign for Tuberous sclerosis 2. Last evaluated: 2025-05-02. Review status: criteria provided, single submitter. Criteria: Myriad Autosomal Dominant, Autosomal Recessive and X-Linked Classification Criteria (2023). Collection method: clinical testing. Allele origin: unknown.
Comment: This variant is considered benign. This variant is a silent/synonymous amino acid change and it is not expected to impact splicing.

Labcorp Genetics (formerly Invitae), Labcorp
Classification: Benign for Tuberous sclerosis 2. Last evaluated: 2024-09-10. Review status: criteria provided, single submitter. Criteria: Invitae Variant Classification Sherloc (09022015). Collection method: clinical testing. Allele origin: germline.

All of Us Research Program, National Institutes of Health
Classification: Likely benign for Tuberous sclerosis syndrome. Last evaluated: 2024-05-14. Review status: criteria provided, single submitter. Criteria: ACMG Guidelines, 2015. Collection method: clinical testing. Allele origin: germline. Inheritance: Autosomal dominant inheritance. Observed: 1 variant allele, 1 heterozygote.
Comment: This study involves interpretation of variants in research participants for the purpose of population health screening. Participant phenotype was not available at the time of variant classification. Additional details can be found in publication PMID: 35346344, PMCID: PMC8962531

Ambry Genetics
Classification: Likely benign for Hereditary cancer-predisposing syndrome. Last evaluated: 2023-02-24. Review status: criteria provided, single submitter. Criteria: Ambry Variant Classification Scheme 2023. Collection method: clinical testing. Allele origin: germline.

NM_000548.5(TSC2):c.265T>C (p.Leu89=)

Gene: TSC2 (TSC complex subunit 2; plus strand). Cytogenetic location: 16p13.3.
Variant type: single nucleotide variant.
Coding change: c.265T>C on transcript NM_000548.5 (MANE Select); coding-DNA position 265, T replaced by C.
Protein change: p.Leu89=; no amino-acid change (leucine 89 retained).
Molecular consequence: synonymous variant. On other transcripts: 5 prime UTR variant (14), non-coding transcript variant (5), intron variant (9).
Genome position (GRCh38, 1-based): chr16:2,053,381, T>C. VCF-style: chr16-2053381-T-C. GRCh37 (hg19) VCF-style: chr16-2103382-T-C.
Other names: c.265T>C, p.Leu89= (NM_001077183.3, NM_001114382.3, NM_001363528.2 and 10 more transcripts); c.118T>C, p.Leu40= (NM_001318829.2, NM_001406675.1, NM_001406676.1 and 2 more transcripts); c.298T>C, p.Leu100= (NM_001318832.2); c.-552T>C (NM_001406680.1, NM_001406683.1, NM_001406687.1); c.-181T>C (NM_001406681.1); c.-1167T>C (NM_001406689.1, NM_001406690.1, NM_001406691.1 and 2 more transcripts); c.-1473T>C (NM_001406693.1); c.-1048T>C (NM_001406694.1, NM_001406695.1); and 4 more.
Identifiers: ClinVar variation 1918204 (VCV001918204.8), dbSNP rs1336362677, ClinGen allele CA492955203.